The following is an entry in ClinVar:

NM_002691.4(POLD1):c.1518C>T (p.Arg506=)

Gene: POLD1 (DNA polymerase delta 1, catalytic subunit; plus strand). Cytogenetic location: 19q13.33.
Variant type: single nucleotide variant.
Coding change: c.1518C>T on transcript NM_002691.4 (MANE Select); coding-DNA position 1518, C replaced by T.
Protein change: p.Arg506=; no amino-acid change (arginine 506 retained).
Molecular consequence: synonymous variant. On other transcripts: non-coding transcript variant (1).
Genome position (GRCh38, 1-based): chr19:50,407,006, C>T. VCF-style: chr19-50407006-C-T. GRCh37 (hg19) VCF-style: chr19-50910263-C-T.
Other names: c.1518C>T, p.Arg506= (NM_001256849.1, NM_001308632.1).
Identifiers: ClinVar variation 3904165 (VCV003904165.1).

ClinVar aggregate classification (germline): Benign (1 of 4 stars; one submission).

Conditions:
POLD1-related polyposis and colorectal cancer syndrome (CRCS10). Also called: Colorectal cancer 10; COLORECTAL CANCER, SUSCEPTIBILITY TO, ON CHROMOSOME 19q; Colorectal cancer, susceptibility to, 10. Identifiers: Orphanet 220460, MedGen C2675481, MONDO:0012953, OMIM 612591.

gnomAD v4.1: 1 of 1,608,828 alleles (0.000062%); highest among the groups gnomAD compares: South Asian, 0.0011%; no homozygotes.

Submission:

Myriad Genetics, Inc.
Classification: Benign for POLD1-related polyposis and colorectal cancer syndrome. Last evaluated: 2025-02-06. Review status: criteria provided, single submitter. Criteria: Myriad Autosomal Dominant, Autosomal Recessive and X-Linked Classification Criteria (2023). Collection method: clinical testing. Allele origin: unknown.
Comment: This variant is considered benign. This variant is a silent/synonymous amino acid change and it is not expected to impact splicing.